The following is an entry in ClinVar:

ClinVar aggregate classification (germline): Uncertain significance. Review status: criteria provided, multiple submitters, no conflicts (2 of 4 stars). 4 submissions from 4 submitters: Uncertain significance (4). Last evaluated 2025-02-03.

Conditions:
Cowden syndrome 3 (CWS3). Identifiers: Orphanet 201, MedGen CN166604, MONDO:0014045.
Pheochromocytoma. Also called: MAX-Related Hereditary Paraganglioma-Pheochromocytoma Syndrome. Identifiers: Orphanet 29072, MedGen C0031511, MONDO:0008233, OMIM 171300, HP:0002666.
Carney-Stratakis syndrome. Also called: PARAGANGLIOMA AND GASTROINTESTINAL STROMAL TUMOR. Identifiers: Orphanet 97286, MedGen C1847319, MONDO:0011740, OMIM 606864.
Paragangliomas with sensorineural hearing loss. Identifiers: MedGen C1868633.
Hereditary cancer-predisposing syndrome. Also called: Hereditary neoplastic syndrome; Neoplastic Syndromes, Hereditary; Tumor predisposition; Hereditary Cancer Syndrome. Identifiers: Orphanet 140162, MedGen C0027672, MeSH D009386, MONDO:0015356.
Hereditary pheochromocytoma and paraganglioma. Also called: Hereditary Paraganglioma-Pheochromocytoma Syndromes; Hereditary paragangliomas and pheochromocytomas; Hereditary pheochromocytoma-paraganglioma. Identifiers: Orphanet 29072, MedGen C4274332, MONDO:0017366.

Submissions (4):

Ambry Genetics
Classification: Uncertain significance for Hereditary cancer-predisposing syndrome. Last evaluated: 2025-02-03. Review status: criteria provided, single submitter. Criteria: Ambry Variant Classification Scheme 2023. Collection method: clinical testing. Allele origin: germline.
Comment: The p.V46M variant (also known as c.136G>A), located in coding exon 2 of the SDHD gene, results from a G to A substitution at nucleotide position 136. The valine at codon 46 is replaced by methionine, an amino acid with highly similar properties. This amino acid position is conserved. In addition, the in silico prediction for this alteration is inconclusive. Based on the available evidence, the clinical significance of this variant remains unclear.

Labcorp Genetics (formerly Invitae), Labcorp
Classification: Uncertain significance for Carney-Stratakis syndrome; Paragangliomas with sensorineural hearing loss; Pheochromocytoma; Cowden syndrome 3. Last evaluated: 2024-11-12. Review status: criteria provided, single submitter. Criteria: Invitae Variant Classification Sherloc (09022015). Collection method: clinical testing. Allele origin: germline.
Comment: This sequence change replaces valine, which is neutral and non-polar, with methionine, which is neutral and non-polar, at codon 46 of the SDHD protein (p.Val46Met). This variant is not present in population databases (gnomAD no frequency). This variant has not been reported in the literature in individuals affected with SDHD-related conditions. ClinVar contains an entry for this variant (Variation ID: 302483). Invitae Evidence Modeling of protein sequence and biophysical properties (such as structural, functional, and spatial information, amino acid conservation, physicochemical variation, residue mobility, and thermodynamic stability) indicates that this missense variant is not expected to disrupt SDHD protein function with a negative predictive value of 95%. In summary, the available evidence is currently insufficient to determine the role of this variant in disease. Therefore, it has been classified as a Variant of Uncertain Significance.

GeneDx
Classification: Uncertain significance. Last evaluated: 2023-11-19. Review status: criteria provided, single submitter. Criteria: GeneDx Variant Classification Process June 2021. Collection method: clinical testing. Allele origin: germline. Affected: yes.
Comment: Not observed at significant frequency in large population cohorts (gnomAD); In silico analysis supports that this missense variant does not alter protein structure/function; Has not been previously published as pathogenic or benign to our knowledge

Illumina Laboratory Services, Illumina
Classification: Uncertain significance for Hereditary Paraganglioma-Pheochromocytoma Syndromes. Last evaluated: 2018-01-13. Review status: criteria provided, single submitter. Criteria: ICSL Variant Classification Criteria 13 December 2019. Collection method: clinical testing. Allele origin: germline.

NM_003002.4(SDHD):c.136G>A (p.Val46Met)

Gene: SDHD (succinate dehydrogenase complex subunit D; plus strand). Cytogenetic location: 11q23.1.
Variant type: single nucleotide variant.
Coding change: c.136G>A on transcript NM_003002.4 (MANE Select); coding-DNA position 136, G replaced by A.
Protein change: p.Val46Met; replaces valine 46 with methionine.
Molecular consequence: missense variant. On other transcripts: non-coding transcript variant (1), intron variant (1).
Genome position (GRCh38, 1-based): chr11:112,087,940, G>A. VCF-style: chr11-112087940-G-A. GRCh37 (hg19) VCF-style: chr11-111958664-G-A.
Other names: c.136G>A (NM_003002.2); c.136G>A, p.Val46Met (NM_001276503.2, NM_001276506.2); c.53-927G>A (NM_001276504.2); short protein forms V46M.
Identifiers: ClinVar variation 302483 (VCV000302483.13), dbSNP rs886047699, ClinGen allele CA10637220.
Genomic context (GRCh38, chr11:112,087,940, plus strand): 5'-GTCAGACCTGCTCATATCTCAGCATTTCTTCAGGACCGACCTATCCCAGAATGGTGTGGA[G>A]TGCAGCACATACACTTGTCACCGAGCCACCATTGTATGTTCTCTCCATCGCTGCTGCTTT-3'
Protein context (NP_002993.1, residues 36-56): QDRPIPEWCG[Val46Met]QHIHLSPSHH